The following is an entry in ClinVar:

NM_006767.4(LZTR1):c.436T>A (p.Leu146Met)

Gene: LZTR1 (leucine zipper like transcription regulator 1; plus strand). Cytogenetic location: 22q11.21.
Variant type: single nucleotide variant.
Coding change: c.436T>A on transcript NM_006767.4 (MANE Select); coding-DNA position 436, T replaced by A.
Protein change: p.Leu146Met; replaces leucine 146 with methionine.
Molecular consequence: missense variant.
Genome position (GRCh38, 1-based): chr22:20,988,045, T>A. VCF-style: chr22-20988045-T-A. GRCh37 (hg19) VCF-style: chr22-21342334-T-A.
Other names: short protein forms L146M.
Identifiers: ClinVar variation 546580 (VCV000546580.2), dbSNP rs1555927611, ClinGen allele CA410779756.

ClinVar aggregate classification (germline): Likely pathogenic (1 of 4 stars; one submission).

Submission:

GeneDx
Classification: Likely pathogenic. Last evaluated: 2017-10-10. Review status: criteria provided, single submitter. Criteria: GeneDx Variant Classification (06012015). Collection method: clinical testing. Allele origin: germline. Affected: yes.
Comment: The L146M variant in the LZTR1 gene has not been reported previously as a pathogenic variant, nor as a benign variant, to our knowledge. The L146M variant is not observed in large population cohorts (Lek et al., 2016). The L146M variant is a conservative amino acid substitution, which is not likely to impact secondary protein structure as these residues share similar properties. This substitution occurs at a position that is conserved across species. In silico analysis is inconsistent in its predictions as to whether or not the variant is damaging to the protein structure/function. We interpret L146M as a likely pathogenic variant. This variant has been confirmed de novo in at least 1 individual tested at GeneDx.